The following is an entry in ClinVar:

NM_000465.4(BARD1):c.1314+3469G>T

Gene: BARD1 (BRCA1 associated RING domain 1; minus strand). Cytogenetic location: 2q35.
Variant type: single nucleotide variant.
Coding change: c.1314+3469G>T on transcript NM_000465.4 (MANE Select); 3469 bases into the intron after coding-DNA position 1314, G replaced by T.
Molecular consequence: intron variant.
Genome position (GRCh38, 1-based): chr2:214,777,091, C>A on the plus strand (G>T on the coding strand, the complement: BARD1 is on the minus strand). VCF-style: chr2-214777091-C-A. GRCh37 (hg19) VCF-style: chr2-215641815-C-A.
Other names: c.159-24536G>T (NM_001282548.2); c.1257+3469G>T (NM_001282543.2); c.215+19970G>T (NM_001282545.2); c.364+15206G>T (NM_001282549.2).
Identifiers: ClinVar variation 2854936 (VCV002854936.3), dbSNP rs2469485814, ClinGen allele CA2739279711.

ClinVar aggregate classification (germline): Uncertain significance (1 of 4 stars; one submission).

Conditions:
Familial cancer of breast. Also called: Hereditary breast cancer; BREAST CANCER, FAMILIAL; hereditary breast carcinoma. Identifiers: Orphanet 227535, MedGen C0346153, MONDO:0016419, OMIM 114480. Disease mechanism: loss of function.

Submission:

Labcorp Genetics (formerly Invitae), Labcorp
Classification: Uncertain significance for Familial cancer of breast. Last evaluated: 2023-04-11. Review status: criteria provided, single submitter. Criteria: Invitae Variant Classification Sherloc (09022015). Collection method: clinical testing. Allele origin: germline.
Comment: In summary, the available evidence is currently insufficient to determine the role of this variant in disease. Therefore, it has been classified as a Variant of Uncertain Significance. Studies have shown that this variant results in the activation of a cryptic splice site in intron 4 (Invitae). This variant has not been reported in the literature in individuals affected with BARD1-related conditions. This variant is not present in population databases (gnomAD no frequency). This sequence change falls in intron 4 of the BARD1 gene. It does not directly change the encoded amino acid sequence of the BARD1 protein. RNA analysis indicates that this variant induces altered splicing and likely results in the gain of 22 amino acid residue(s), but is expected to preserve the integrity of the reading-frame.